The following is an entry in ClinVar:

ClinVar aggregate classification (germline): Likely pathogenic (1 of 4 stars; one submission).

Conditions:
Inborn genetic diseases. Identifiers: MedGen C0950123, MeSH D030342.

Submission:

Ambry Genetics
Classification: Likely pathogenic for Inborn genetic diseases. Last evaluated: 2026-03-12. Review status: criteria provided, single submitter. Criteria: Ambry Variant Classification Scheme 2023. Collection method: clinical testing. Allele origin: germline.
Comment: The c.562G>T (p.D188Y) alteration is located in exon 4 (coding exon 4) of the SCN1A gene. This alteration results from a G to T substitution at nucleotide position 562, causing the aspartic acid (D) at amino acid position 188 to be replaced by a tyrosine (Y). for SCN1A-related seizure disorders; however, its clinical significance for SCN1A-related hemiplegic migraine is uncertain This variant was not reported in population-based cohorts in the Genome Aggregation Database (gnomAD). Other variant(s) at the same codon, c.563A>G (p.D188G), c.563A>C (p.D188A), and c.563A>T (p.D188V) have been identified in individual(s) with features consistent with SCN1A-related seizure disorders (Wallace, 2001; Cossette, 2003; Shibata, 2020; Chen, 2022). This amino acid position is highly conserved in available vertebrate species. This missense variant is located in a region that has a low rate of benign missense variation (Lek, 2016; Firth, 2009). This alteration is predicted to be deleterious by in silico analysis. Based on the available evidence, this alteration is classified as likely pathogenic.

Literature cited by the submitters: PubMed 11254444; PubMed 12576172; PubMed 32276107; PubMed 35571373.

NM_001165963.4(SCN1A):c.562G>T (p.Asp188Tyr)

Gene: SCN1A (sodium voltage-gated channel alpha subunit 1; minus strand). Cytogenetic location: 2q24.3.
Variant type: single nucleotide variant.
Coding change: c.562G>T on transcript NM_001165963.4 (MANE Select); coding-DNA position 562, G replaced by T.
Protein change: p.Asp188Tyr; replaces aspartic acid 188 with tyrosine.
Molecular consequence: missense variant. On other transcripts: 5 prime UTR variant (1), non-coding transcript variant (1).
Genome position (GRCh38, 1-based): chr2:166,054,678, C>A on the plus strand (G>T on the coding strand, the complement: SCN1A is on the minus strand). VCF-style: chr2-166054678-C-A. GRCh37 (hg19) VCF-style: chr2-166911188-C-A.
Other names: c.562G>T, p.Asp188Tyr (NM_001165964.3, NM_001202435.3, NM_001353948.2 and 10 more transcripts); c.-1864G>T (NM_001353961.2); short protein forms D188Y.
Identifiers: ClinVar variation 4840535 (VCV004840535.1).